The following is an entry in ClinVar:

ClinVar aggregate classification (germline): Uncertain significance (1 of 4 stars; one submission).

Submission:

GeneDx
Classification: Uncertain significance. Last evaluated: 2023-12-30. Review status: criteria provided, single submitter. Criteria: GeneDx Variant Classification Process June 2021. Collection method: clinical testing. Allele origin: germline. Affected: yes.
Comment: Not observed at significant frequency in large population cohorts (gnomAD); Frameshift variant predicted to result in protein truncation or nonsense mediated decay in a gene or region of a gene for which loss of function is not a well-established mechanism of disease; Has not been previously published as pathogenic or benign to our knowledge; Variants in candidate genes are classified as variants of uncertain significance in accordance with ACMG guidelines (PMID: 25741868)

NM_015030.2(FRYL):c.7947dup (p.Glu2650fs)

Gene: FRYL (FRY like transcription coactivator; minus strand). Cytogenetic location: 4p11.
Variant type: Duplication.
Coding change: c.7947dup on transcript NM_015030.2 (MANE Select); coding-DNA position 7947, one base duplicated (A; older notation c.7947dupA).
Protein change: p.Glu2650fs; shifts the reading frame from glutamic acid 2650.
Molecular consequence: frameshift variant.
Genome position (GRCh38, 1-based): chr4:48,512,679, T duplicated on the plus strand (A on the coding strand, the reverse complement: FRYL is on the minus strand); the first of 2 consecutive T bases (chr4:48,512,679-48,512,680); duplicating either gives the same sequence. VCF-style (leftmost placement, unchanged base first): chr4-48512678-C-CT. GRCh37 (hg19) VCF-style: chr4-48514695-C-CT.
Other names: short protein forms E2650fs.
Identifiers: ClinVar variation 3367426 (VCV003367426.1).
Genomic context (GRCh38, chr4:48,512,678, plus strand): 5'-CAGAAAGAAATGGTGACGGCAGAGGCGACGTCTGTACTTCTGGAAAACCATCTTGCTCTT[C>CT]TTCATCTTGACTATTAACACAGATATCATAAATATCATAACACTATCTCAGAAAAAAAGA-3'